The following is an entry in ClinVar:

ClinVar aggregate classification (germline): Conflicting classifications of pathogenicity. Review status: criteria provided, conflicting classifications (1 of 4 stars). 3 submissions from 3 submitters: Uncertain significance (2); Likely benign (1). Last evaluated 2025-12-11.

gnomAD v4.1: 41 of 1,614,114 alleles (0.0025%); highest among the groups gnomAD compares: African/African-American, 0.048%; no homozygotes.

Submissions (3):

Labcorp Genetics (formerly Invitae), Labcorp
Classification: Uncertain significance. Last evaluated: 2025-12-11. Review status: criteria provided, single submitter. Criteria: Invitae Variant Classification Sherloc (09022015). Collection method: clinical testing. Allele origin: germline.
Comment: This sequence change replaces aspartic acid, which is acidic and polar, with asparagine, which is neutral and polar, at codon 362 of the ITGB3 protein (p.Asp362Asn). This variant is present in population databases (rs150029332, gnomAD 0.06%). This variant has not been reported in the literature in individuals affected with ITGB3-related conditions. ClinVar contains an entry for this variant (Variation ID: 3380497). Invitae Evidence Modeling of protein sequence and biophysical properties (such as structural, functional, and spatial information, amino acid conservation, physicochemical variation, residue mobility, and thermodynamic stability) indicates that this missense variant is not expected to disrupt ITGB3 protein function with a negative predictive value of 80%. In summary, the available evidence is currently insufficient to determine the role of this variant in disease. Therefore, it has been classified as a Variant of Uncertain Significance.

Blueprint Genetics
Classification: Likely benign. Last evaluated: 2024-05-14. Review status: criteria provided, single submitter. Criteria: ACMG Guidelines, 2015. Collection method: clinical testing. Allele origin: germline.

Mayo Clinic Laboratories, Mayo Clinic
Classification: Uncertain significance. Last evaluated: 2023-10-19. Review status: criteria provided, single submitter. Criteria: ACMG Guidelines, 2015. Collection method: clinical testing. Allele origin: germline. Observed: 1 variant allele.
Comment: PM1_supporting

NM_000212.3(ITGB3):c.1084G>A (p.Asp362Asn)

Gene: ITGB3 (integrin subunit beta 3; plus strand). Cytogenetic location: 17q21.32.
Variant type: single nucleotide variant.
Coding change: c.1084G>A on transcript NM_000212.3 (MANE Select); coding-DNA position 1084, G replaced by A.
Protein change: p.Asp362Asn; replaces aspartic acid 362 with asparagine.
Molecular consequence: missense variant.
Genome position (GRCh38, 1-based): chr17:47,290,233, G>A. VCF-style: chr17-47290233-G-A. GRCh37 (hg19) VCF-style: chr17-45367599-G-A.
Other names: p.Asp362Asn; short protein forms D362N.
Identifiers: ClinVar variation 3380497 (VCV003380497.4).